The following is an entry in ClinVar:

NM_032043.3(BRIP1):c.507G>C (p.Gln169His)

Gene: BRIP1 (BRCA1 interacting DNA helicase 1; minus strand). Cytogenetic location: 17q23.2.
Variant type: single nucleotide variant.
Coding change: c.507G>C on transcript NM_032043.3 (MANE Select); coding-DNA position 507, G replaced by C.
Protein change: p.Gln169His; replaces glutamine 169 with histidine.
Molecular consequence: missense variant.
Genome position (GRCh38, 1-based): chr17:61,849,129, C>G on the plus strand (G>C on the coding strand, the complement: BRIP1 is on the minus strand). VCF-style: chr17-61849129-C-G. GRCh37 (hg19) VCF-style: chr17-59926490-C-G.
Other names: short protein forms Q169H.
Identifiers: ClinVar variation 1745212 (VCV001745212.5), dbSNP rs876660937, ClinGen allele CA400484346.
Genomic context (GRCh38, chr17:61,849,129, plus strand): 5'-TTGACTACCATGTTCAGCTGTAACTAACTGGGTTATTTACTGCCAATAAACTCTGTTTAC[C>G]TGCTGTGTAGTTTCTAAGGGTCGAATTCTTTTCTTCTCTACTTGAAAATCATCATTTTCA-3'
Protein context (NP_114432.2, residues 159-179): KRIRPLETTQ[Gln169His]IRKRHCFGTE

ClinVar aggregate classification (germline): Pathogenic/Likely pathogenic. Review status: criteria provided, multiple submitters, no conflicts (2 of 4 stars). 3 submissions from 3 submitters: Pathogenic (1); Likely pathogenic (2). Last evaluated 2025-05-12.

Conditions:
Familial cancer of breast. Also called: BREAST CANCER, FAMILIAL; Hereditary breast cancer; hereditary breast carcinoma. Identifiers: Orphanet 227535, MedGen C0346153, MONDO:0016419, OMIM 114480. Disease mechanism: loss of function.
Fanconi anemia complementation group J. Also called: BRIP1-Related Fanconi Anemia. Identifiers: Orphanet 84, MedGen C1836860, MONDO:0012187, OMIM 609054.
Hereditary cancer-predisposing syndrome. Also called: Neoplastic Syndromes, Hereditary; Tumor predisposition; Hereditary Cancer Syndrome; Hereditary neoplastic syndrome. Identifiers: Orphanet 140162, MedGen C0027672, MeSH D009386, MONDO:0015356.

Allele frequency attached by ClinVar (database versions not stated): TOPMed below 0.00001; gnomAD 0.00001.
gnomAD v4.1: 1 of 1,613,402 alleles (0.000062%); highest among the groups gnomAD compares: Non-Finnish European, 0.000085%; no homozygotes.

Submissions (3):

Labcorp Genetics (formerly Invitae), Labcorp
Classification: Pathogenic for Familial cancer of breast; Fanconi anemia complementation group J. Last evaluated: 2025-05-12. Review status: criteria provided, single submitter. Criteria: Invitae Variant Classification Sherloc (09022015). Collection method: clinical testing. Allele origin: germline.
Comment: This sequence change replaces glutamine, which is neutral and polar, with histidine, which is basic and polar, at codon 169 of the BRIP1 protein (p.Gln169His). RNA analysis indicates that this missense change induces altered splicing and may result in an absent or altered protein product. This variant is not present in population databases (gnomAD no frequency). This variant has not been reported in the literature in individuals affected with BRIP1-related conditions. ClinVar contains an entry for this variant (Variation ID: 1745212). Invitae Evidence Modeling of protein sequence and biophysical properties (such as structural, functional, and spatial information, amino acid conservation, physicochemical variation, residue mobility, and thermodynamic stability) has been performed for this missense variant. However, the output from this modeling did not meet the statistical confidence thresholds required to predict the impact of this variant on BRIP1 protein function. Variants that disrupt the consensus splice site are a relatively common cause of aberrant splicing (PMID: 17576681, 9536098). Studies have shown that this missense change results in skipping of exon 5, and produces a non-functional protein and/or introduces a premature termination codon (internal data). This variant disrupts the c.507G nucleotide in the BRIP1 gene. Other variant(s) that disrupt this nucleotide have been determined to be pathogenic (internal data). This suggests that this nucleotide is clinically significant, and that variants that disrupt this position are likely to be disease-causing. For these reasons, this variant has been classified as Pathogenic.

Myriad Genetics, Inc.
Classification: Likely pathogenic for Familial cancer of breast. Last evaluated: 2023-11-06. Review status: criteria provided, single submitter. Criteria: Myriad Autosomal Dominant, Autosomal Recessive and X-Linked Classification Criteria (2023). Collection method: clinical testing. Allele origin: unknown.
Comment: This variant is considered likely pathogenic. mRNA analysis has demonstrated abnormal mRNA splicing occurs [Myriad internal data].

Ambry Genetics
Classification: Likely pathogenic for Hereditary cancer-predisposing syndrome. Last evaluated: 2021-07-06. Review status: criteria provided, single submitter. Criteria: Ambry Variant Classification Scheme 2023. Collection method: clinical testing. Allele origin: germline.
Comment: The c.507G>C variant (also known as p.Q169H), located in coding exon 4 of the BRIP1 gene, results from a G to C substitution at nucleotide position 507. The amino acid change results in glutamine to histidine at codon 169, an amino acid with highly similar properties. However, this change occurs in the last base pair of coding exon 4, which makes it likely to have some effect on normal mRNA splicing. Another alteration impacting the same donor site (c.507G>A) has been detected in 4/706 cases with ovarian cancer, 1/6341 cases with breast cancer and in 0/36687 controls. RNA analysis of this alteration performed by the same group showed exon 5 skipping resulting in transcript that is 127 nucleotides shorter with a predicted alternate stop codon (p.S128*) (Weber-Lassalle N et al. Breast Cancer Res. 2018 Jan;20:7; Suszynska M et al. J Ovarian Res. 2020 May;13:50). The nucleotide and amino acid positions are highly conserved in available vertebrate species. In silico splice site analysis predicts that this alteration will weaken the native splice donor site. This variant is considered to be rare based on population cohorts in the Genome Aggregation Database (gnomAD). Based on the majority of available evidence to date, this variant is likely to be pathogenic.

Literature cited by the submitters: PubMed 17576681 (cited by Labcorp Genetics (formerly Invitae), Labcorp); PubMed 9536098 (cited by Labcorp Genetics (formerly Invitae), Labcorp).